The following is an entry in ClinVar:

NM_000093.5(COL5A1):c.1209G>T (p.Glu403Asp)

Gene: COL5A1 (collagen type V alpha 1 chain; plus strand). Cytogenetic location: 9q34.3.
Variant type: single nucleotide variant.
Coding change: c.1209G>T on transcript NM_000093.5 (MANE Select); coding-DNA position 1209, G replaced by T.
Protein change: p.Glu403Asp; replaces glutamic acid 403 with aspartic acid.
Molecular consequence: missense variant.
Genome position (GRCh38, 1-based): chr9:134,731,540, G>T. VCF-style: chr9-134731540-G-T. GRCh37 (hg19) VCF-style: chr9-137623386-G-T.
Other names: c.1209G>T, p.Glu403Asp (NM_001278074.1); short protein forms E403D.
Identifiers: ClinVar variation 587646 (VCV000587646.3), dbSNP rs1564417691, ClinGen allele CA375450723.
Genomic context (GRCh38, chr9:134,731,540, plus strand): 5'-TCCTCTCCCTCTGCAGCCAGCTCCGCCTCCAGGGGAAGGTGCGGATGACTTGGAGGGGGA[G>T]TTCACTGAGGAAACGATCCGGAACCTTGACGAGAACTACTACGACCCCTACTACGACCCC-3'
Protein context (NP_000084.3, residues 393-413): PGEGADDLEG[Glu403Asp]FTEETIRNLD

ClinVar aggregate classification (germline): Uncertain significance (1 of 4 stars; one submission).

Conditions:
Brugada syndrome. Also called: Sudden unexplained nocturnal death syndrome; Sudden Unexplained Death Syndrome; Sudden Unexplained Nocturnal Death Syndrome (SUNDS); Sudden unexpected nocturnal death syndrome. Identifiers: Orphanet 130, MedGen C1142166, MONDO:0015263.

Allele frequency attached by ClinVar (database versions not stated): gnomAD exomes below 0.00001.
gnomAD v4.1: 2 of 1,614,242 alleles (0.00012%); highest among the groups gnomAD compares: Non-Finnish European, 0.00017%; no homozygotes.

Submission:

Royal Brompton Clinical Genetics And Genomics Laboratory, NHS South East Genomic Laboratory Hub
Classification: Uncertain significance for Brugada syndrome. Last evaluated: 2017-10-16. Review status: criteria provided, single submitter. Criteria: RBHT-CGGL ClinVar Assertion Criteria. Collection method: clinical testing. Allele origin: germline. Affected: yes. Observed: 1 variant allele.
Comment: To the best of our knowledge this variant has not been reported as disease-causing or as a benign polymorphism, and has not been detected in approximately 120,000 individuals in control populations (gnomAD database). Algorithms developed to predict the effect of missense changes on protein structure and function all suggest that this variant is likely to be tolerated, but these predictions have not been confirmed by published functional studies. The p.Glu403 amino acid residue is not evolutionary conserved, and p.Asp403 is found in some species; suggesting this change may not be damaging.